The following is an entry in ClinVar:

ClinVar aggregate classification (germline): Uncertain significance (1 of 4 stars; one submission).

Conditions:
Hereditary cancer-predisposing syndrome. Also called: Tumor predisposition; Hereditary neoplastic syndrome; Hereditary Cancer Syndrome; Neoplastic Syndromes, Hereditary. Identifiers: Orphanet 140162, MedGen C0027672, MeSH D009386, MONDO:0015356.

Submission:

Ambry Genetics
Classification: Uncertain significance for Hereditary cancer-predisposing syndrome. Last evaluated: 2023-09-28. Review status: criteria provided, single submitter. Criteria: Ambry Variant Classification Scheme 2023. Collection method: clinical testing. Allele origin: germline.
Comment: The p.L1571R variant (also known as c.4712T>G), located in coding exon 29 of the ALK gene, results from a T to G substitution at nucleotide position 4712. The leucine at codon 1571 is replaced by arginine, an amino acid with dissimilar properties. This amino acid position is conserved. In addition, the in silico prediction for this alteration is inconclusive. Since supporting evidence is limited at this time, the clinical significance of this alteration remains unclear.

NM_004304.5(ALK):c.4712T>G (p.Leu1571Arg)

Gene: ALK (ALK receptor tyrosine kinase; minus strand). Cytogenetic location: 2p23.2.
Variant type: single nucleotide variant.
Coding change: c.4712T>G on transcript NM_004304.5 (MANE Select); coding-DNA position 4712, T replaced by G.
Protein change: p.Leu1571Arg; replaces leucine 1571 with arginine.
Molecular consequence: missense variant.
Genome position (GRCh38, 1-based): chr2:29,193,375, A>C on the plus strand (T>G on the coding strand, the complement: ALK is on the minus strand). VCF-style: chr2-29193375-A-C. GRCh37 (hg19) VCF-style: chr2-29416241-A-C.
Other names: c.1508T>G, p.Leu503Arg (NM_001353765.2); short protein forms L1571R, L503R.
Identifiers: ClinVar variation 3223913 (VCV003223913.1), dbSNP rs2148137405, ClinGen allele CA346460402.